The following is an entry in ClinVar:

ClinVar aggregate classification (germline): Uncertain significance (1 of 4 stars; one submission).

Conditions:
PCNT-related disorder. Also called: PCNT-related condition.

gnomAD v4.1: 4 of 1,611,918 alleles (0.00025%); highest among the groups gnomAD compares: African/African-American, 0.0053%; no homozygotes.

Submission:

PreventionGenetics, part of Exact Sciences
Classification: Uncertain significance for PCNT-related condition. Last evaluated: 2025-12-22. Review status: criteria provided, single submitter. Criteria: ACMG Guidelines, 2015. Collection method: clinical testing. Allele origin: germline.
Comment: The PCNT c.7609G>C variant is predicted to result in the amino acid substitution p.Glu2537Gln. To our knowledge, this variant has not been reported in the literature. This variant is reported in 0.019% of alleles in individuals of African descent in gnomAD. At this time, the clinical significance of this variant is uncertain due to the absence of conclusive functional and genetic evidence.

NM_006031.6(PCNT):c.7609G>C (p.Glu2537Gln)

Gene: PCNT (pericentrin; plus strand). Cytogenetic location: 21q22.3.
Variant type: single nucleotide variant.
Coding change: c.7609G>C on transcript NM_006031.6 (MANE Select); coding-DNA position 7609, G replaced by C.
Protein change: p.Glu2537Gln; replaces glutamic acid 2537 with glutamine.
Molecular consequence: missense variant.
Genome position (GRCh38, 1-based): chr21:46,428,509, G>C. VCF-style: chr21-46428509-G-C. GRCh37 (hg19) VCF-style: chr21-47848423-G-C.
Other names: c.7255G>C, p.Glu2419Gln (NM_001315529.2); short protein forms E2537Q, E2419Q.
Identifiers: ClinVar variation 4988786 (VCV004988786.1).